The following is an entry in ClinVar:

NM_005006.7(NDUFS1):c.661A>T (p.Asn221Tyr)

Gene: NDUFS1 (NADH:ubiquinone oxidoreductase core subunit S1; minus strand). Cytogenetic location: 2q33.3.
Variant type: single nucleotide variant.
Coding change: c.661A>T on transcript NM_005006.7 (MANE Select); coding-DNA position 661, A replaced by T.
Protein change: p.Asn221Tyr; replaces asparagine 221 with tyrosine.
Molecular consequence: missense variant.
Genome position (GRCh38, 1-based): chr2:206,146,979, T>A on the plus strand (A>T on the coding strand, the complement: NDUFS1 is on the minus strand). VCF-style: chr2-206146979-T-A. GRCh37 (hg19) VCF-style: chr2-207011703-T-A.
Other names: c.553A>T, p.Asn185Tyr (NM_001199981.2); c.328A>T, p.Asn110Tyr (NM_001199982.2); c.490A>T, p.Asn164Tyr (NM_001199983.2); c.703A>T, p.Asn235Tyr (NM_001199984.2); short protein forms N221Y, N164Y, N235Y, N110Y, N185Y.
Identifiers: ClinVar variation 430569 (VCV000430569.2), dbSNP rs1131692032, ClinGen allele CA350059523.

ClinVar aggregate classification (germline): Likely pathogenic (1 of 4 stars; one submission).

Allele frequency attached by ClinVar (database versions not stated): gnomAD exomes below 0.00001.
gnomAD v4.1: 1 of 1,614,098 alleles (0.000062%); highest among the groups gnomAD compares: Non-Finnish European, 0.000085%; no homozygotes.

Submission:

GeneDx
Classification: Likely pathogenic. Last evaluated: 2016-07-01. Review status: criteria provided, single submitter. Criteria: GeneDx Variant Classification (06012015). Collection method: clinical testing. Allele origin: germline. Affected: yes.
Comment: The N221Y variant in the NDUFS1 gene has not been reported previously as a pathogenic variant, nor as a benign variant, to our knowledge. The N221Y variant was not observed in approximately 6500 individuals of European and African American ancestry in the NHLBI Exome Sequencing Project, indicating it is not a common benign variant in these populations. The N221Y variant is a semi-conservative amino acid substitution, which may impact secondary protein structure as these residues differ in some properties. This substitution occurs at a position that is conserved across species. In silico analysis predicts this variant is probably damaging to the protein structure/function. We interpret N221Y as a likely pathogenic variant.